The following is an entry in ClinVar:

NM_001458.5(FLNC):c.4270G>A (p.Gly1424Arg)

Gene: FLNC (filamin C; plus strand). Cytogenetic location: 7q32.1.
Variant type: single nucleotide variant.
Coding change: c.4270G>A on transcript NM_001458.5 (MANE Select); coding-DNA position 4270, G replaced by A.
Protein change: p.Gly1424Arg; replaces glycine 1424 with arginine.
Molecular consequence: missense variant.
Genome position (GRCh38, 1-based): chr7:128,846,887, G>A. VCF-style: chr7-128846887-G-A. GRCh37 (hg19) VCF-style: chr7-128486941-G-A.
Other names: c.4270G>A, p.Gly1424Arg (NM_001127487.2); short protein forms G1424R.
Identifiers: ClinVar variation 539396 (VCV000539396.10), dbSNP rs1202331272, ClinGen allele CA369200936.
Genomic context (GRCh38, chr7:128,846,887, plus strand): 5'-AGCTGCACCGTGGAGTACATCCCCTTCACTCCTGGAGACTATGACGTCAACATCACCTTC[G>A]GGGGGCGGCCCATCCCAGGTGTGCAGAGAGAGTGGTCGGGGTCTCAGGGAAGACAAGGGA-3'
Protein context (NP_001449.3, residues 1414-1434): PGDYDVNITF[Gly1424Arg]GRPIPGSPFR

ClinVar aggregate classification (germline): Uncertain significance. Review status: criteria provided, multiple submitters, no conflicts (2 of 4 stars). 3 submissions from 3 submitters: Uncertain significance (3). Last evaluated 2025-12-24.

Conditions:
Distal myopathy with posterior leg and anterior hand involvement. Also called: WILLIAMS DISTAL MYOPATHY. Identifiers: Orphanet 63273, MedGen C3279722, MONDO:0013550, OMIM 614065.
Myofibrillar myopathy 5. Also called: Filaminopathy (type); FILAMINOPATHY, AUTOSOMAL DOMINANT. Identifiers: Orphanet 171445, MedGen C1836050, MONDO:0012289, OMIM 609524.
Hypertrophic cardiomyopathy 26. Also called: Cardiomyopathy, familial hypertrophic, 26. Identifiers: Orphanet 75249, MedGen C4310749, MONDO:0014883, OMIM 617047.

Allele frequency attached by ClinVar (database versions not stated): gnomAD exomes below 0.00001; gnomAD 0.00002; TOPMed 0.00002.
gnomAD v4.1: 17 of 1,614,070 alleles (0.0011%); highest among the groups gnomAD compares: African/African-American, 0.004%; no homozygotes.

Submissions (3):

Labcorp Genetics (formerly Invitae), Labcorp
Classification: Uncertain significance for Distal myopathy with posterior leg and anterior hand involvement; Myofibrillar myopathy 5; Hypertrophic cardiomyopathy 26. Last evaluated: 2025-12-24. Review status: criteria provided, single submitter. Criteria: Invitae Variant Classification Sherloc (09022015). Collection method: clinical testing. Allele origin: germline.
Comment: This sequence change replaces glycine, which is neutral and non-polar, with arginine, which is basic and polar, at codon 1424 of the FLNC protein (p.Gly1424Arg). This variant is present in population databases (no rsID available, gnomAD 0.003%). This variant has not been reported in the literature in individuals affected with FLNC-related conditions. ClinVar contains an entry for this variant (Variation ID: 539396). Invitae Evidence Modeling of protein sequence and biophysical properties (such as structural, functional, and spatial information, amino acid conservation, physicochemical variation, residue mobility, and thermodynamic stability) has been performed for this missense variant. However, the output from this modeling did not meet the statistical confidence thresholds required to predict the impact of this variant on FLNC protein function. In summary, the available evidence is currently insufficient to determine the role of this variant in disease. Therefore, it has been classified as a Variant of Uncertain Significance.

Women's Health and Genetics/Laboratory Corporation of America, LabCorp
Classification: Uncertain significance. Last evaluated: 2023-12-15. Review status: criteria provided, single submitter. Criteria: LabCorp Variant Classification Summary - May 2015. Collection method: clinical testing. Allele origin: germline.
Comment: Variant summary: FLNC c.4270G>A (p.Gly1424Arg) results in a non-conservative amino acid change in the encoded protein sequence. Five of five in-silico tools predict a damaging effect of the variant on protein function. The variant allele was found at a frequency of 4e-06 in 249244 control chromosomes (gnomAD). The available data on variant occurrences in the general population are insufficient to allow any conclusion about variant significance. To our knowledge, no occurrence of c.4270G>A in individuals affected with Cardiomyopathy and no experimental evidence demonstrating its impact on protein function have been reported. One submitter has cited clinical-significance assessments for this variant to ClinVar after 2014 and has classified the variant as uncertain significance. Based on the evidence outlined above, the variant was classified as uncertain significance.

Clinical Genetics Laboratory, Skane University Hospital Lund
Classification: Uncertain significance. Last evaluated: 2023-08-11. Review status: criteria provided, single submitter. Criteria: ACMG Guidelines, 2015. Collection method: clinical testing. Allele origin: germline. Affected: yes.